The following is an entry in ClinVar:

NM_004415.4(DSP):c.6778A>G (p.Ile2260Val)

Gene: DSP (desmoplakin; plus strand). Cytogenetic location: 6p24.3.
Variant type: single nucleotide variant.
Coding change: c.6778A>G on transcript NM_004415.4 (MANE Select); coding-DNA position 6778, A replaced by G.
Protein change: p.Ile2260Val; replaces isoleucine 2260 with valine.
Molecular consequence: missense variant.
Genome position (GRCh38, 1-based): chr6:7,584,040, A>G. VCF-style: chr6-7584040-A-G. GRCh37 (hg19) VCF-style: chr6-7584273-A-G.
Other names: c.4981A>G, p.Ile1661Val (NM_001008844.3); c.5449A>G, p.Ile1817Val (NM_001319034.2); short protein forms I1817V, I2260V, I1661V.
Identifiers: ClinVar variation 2017863 (VCV002017863.7), dbSNP rs2533942717, ClinGen allele CA362691531.

ClinVar aggregate classification (germline): Uncertain significance. Review status: criteria provided, multiple submitters, no conflicts (2 of 4 stars). 3 submissions from 3 submitters: Uncertain significance (3). Last evaluated 2025-12-01.

Conditions:
Arrhythmogenic cardiomyopathy with wooly hair and keratoderma. Also called: Carvajal syndrome; Dilated cardiomyopathy with woolly hair and keratoderma; Arrhythmogenic cardiomyopathy with woolly hair and keratoderma; PALMOPLANTAR KERATODERMA WITH LEFT VENTRICULAR CARDIOMYOPATHY AND WOOLLY HAIR. Identifiers: Orphanet 65282, MedGen C1854063, MONDO:0011581, OMIM 605676.
Arrhythmogenic right ventricular dysplasia 8 (ARVD8). Also called: Arrhythmogenic Right Ventricular Dysplasia/Cardiomyopathy 8; ARRHYTHMOGENIC RIGHT VENTRICULAR DYSPLASIA, FAMILIAL, 8; ARRHYTHMOGENIC RIGHT VENTRICULAR CARDIOMYOPATHY 8. Identifiers: MedGen C1843896, MONDO:0011831, OMIM 607450.
Cardiovascular phenotype. Identifiers: MedGen CN230736.

Submissions (3):

Labcorp Genetics (formerly Invitae), Labcorp
Classification: Uncertain significance for Arrhythmogenic cardiomyopathy with wooly hair and keratoderma; Arrhythmogenic right ventricular dysplasia 8. Last evaluated: 2025-12-01. Review status: criteria provided, single submitter. Criteria: Invitae Variant Classification Sherloc (09022015). Collection method: clinical testing. Allele origin: germline.
Comment: This sequence change replaces isoleucine, which is neutral and non-polar, with valine, which is neutral and non-polar, at codon 2260 of the DSP protein (p.Ile2260Val). This variant is not present in population databases (gnomAD no frequency). This variant has not been reported in the literature in individuals affected with DSP-related conditions. ClinVar contains an entry for this variant (Variation ID: 2017863). An algorithm developed to predict the effect of missense changes on protein structure and function (PolyPhen-2) suggests that this variant is likely to be disruptive. In summary, the available evidence is currently insufficient to determine the role of this variant in disease. Therefore, it has been classified as a Variant of Uncertain Significance.

All of Us Research Program, National Institutes of Health
Classification: Uncertain significance for Arrhythmogenic cardiomyopathy with wooly hair and keratoderma. Last evaluated: 2024-08-13. Review status: criteria provided, single submitter. Criteria: ACMG Guidelines, 2015. Collection method: clinical testing. Allele origin: germline. Inheritance: Autosomal dominant inheritance. Observed: 1 variant allele, 1 heterozygote.
Comment: This missense variant replaces isoleucine with valine at codon 2260 of the DSP protein. Computational prediction suggests that this variant may not impact protein structure and function (internally defined REVEL score threshold <= 0.5, PMID: 27666373). To our knowledge, functional studies have not been reported for this variant. This variant has not been reported in individuals affected with DSP-related disorders in the literature. This variant has not been identified in the general population by the Genome Aggregation Database (gnomAD). The available evidence is insufficient to determine the role of this variant in disease conclusively. Therefore, this variant is classified as a Variant of Uncertain Significance.

This study involves interpretation of variants in research participants for the purpose of population health screening. Participant phenotype was not available at the time of variant classification. Additional details can be found in publication PMID: 35346344, PMCID: PMC8962531

Ambry Genetics
Classification: Uncertain significance for Cardiovascular phenotype. Last evaluated: 2023-04-06. Review status: criteria provided, single submitter. Criteria: Ambry Variant Classification Scheme 2023. Collection method: clinical testing. Allele origin: germline.
Comment: The p.I2260V variant (also known as c.6778A>G), located in coding exon 24 of the DSP gene, results from an A to G substitution at nucleotide position 6778. The isoleucine at codon 2260 is replaced by valine, an amino acid with highly similar properties. This amino acid position is highly conserved in available vertebrate species. In addition, the in silico prediction for this alteration is inconclusive. Since supporting evidence is limited at this time, the clinical significance of this alteration remains unclear.